The following is an entry in ClinVar:

NC_000007.14:g.107100935C>G

Genes: PRKAR2B (protein kinase cAMP-dependent type II regulatory subunit beta; plus strand), SLC26A4 (solute carrier family 26 member 4; plus strand). Cytogenetic location: 7q22.3.
Variant type: single nucleotide variant.
Molecular consequence: intron variant (on NM_002736.3).
Genome position: GRCh38 VCF-style: chr7-107100935-C-G. GRCh37 (hg19) VCF-style: chr7-106741380-C-G.
Other names: c.344-21017C>G (NM_002736.3).
Identifiers: ClinVar variation 4985254 (VCV004985254.1).

ClinVar aggregate classification (germline): Likely benign (1 of 4 stars; one submission).

Conditions:
SLC26A4-related disorder. Also called: SLC26A4-related disorders; SLC26A4-related condition.

gnomAD v4.1: 2 of 149,826 alleles (0.0013%); highest among the groups gnomAD compares: Non-Finnish European, 0.003%; no homozygotes.

Submission:

PreventionGenetics, part of Exact Sciences
Classification: Likely benign for SLC26A4-related condition. Last evaluated: 2025-04-19. Review status: criteria provided, single submitter. Criteria: ACMG Guidelines, 2015. Collection method: clinical testing. Allele origin: germline.
Comment: This variant is classified as likely benign based on ACMG/AMP sequence variant interpretation guidelines (Richards et al. 2015 PMID: 25741868, with internal and published modifications).